The following is an entry in ClinVar:

NM_177986.5(DSG4):c.2065G>T (p.Glu689Ter)

Genes: DSG1-AS1 (DSG1 antisense RNA 1; minus strand), DSG4 (desmoglein 4; plus strand). Cytogenetic location: 18q12.1.
Variant type: single nucleotide variant.
Coding change: c.2065G>T on transcript NM_177986.5 (MANE Select); coding-DNA position 2065, G replaced by T.
Protein change: p.Glu689Ter; replaces glutamic acid 689 with a stop codon.
Molecular consequence: nonsense.
Genome position (GRCh38, 1-based): chr18:31,409,583, G>T. VCF-style: chr18-31409583-G-T. GRCh37 (hg19) VCF-style: chr18-28989546-G-T.
Other names: c.2065G>T, p.Glu689Ter (NM_001134453.3); short protein forms E689*.
Identifiers: ClinVar variation 2067747 (VCV002067747.1), dbSNP rs377271913, ClinGen allele CA8927170.

ClinVar aggregate classification (germline): Pathogenic (1 of 4 stars; one submission).

Allele frequency attached by ClinVar (database versions not stated): ESP Exome Variant Server 0.00008.

Submission:

Labcorp Genetics (formerly Invitae), Labcorp
Classification: Pathogenic. Last evaluated: 2020-12-17. Review status: criteria provided, single submitter. Criteria: Invitae Variant Classification Sherloc (09022015). Collection method: clinical testing. Allele origin: germline.
Comment: This sequence change creates a premature translational stop signal (p.Glu689*) in the DSG4 gene. It is expected to result in an absent or disrupted protein product. This variant is present in population databases (rs377271913, ExAC 0.001%). This variant has not been reported in the literature in individuals with DSG4-related disease. Loss-of-function variants in DSG4 are known to be pathogenic (PMID: 16439973, 16575393). For these reasons, this variant has been classified as Pathogenic.

Literature cited by the submitters: PubMed 16439973; PubMed 16575393.